The following is an entry in ClinVar:

ClinVar aggregate classification (germline): Uncertain significance (0 of 4 stars; one submission).

Conditions:
FOCAD-related disorder. Also called: FOCAD-related condition.

gnomAD v4.1: 17 of 1,501,262 alleles (0.0011%); highest among the groups gnomAD compares: Non-Finnish European, 0.0012%; no homozygotes.

Submission:

PreventionGenetics, part of Exact Sciences
Classification: Uncertain significance for FOCAD-related condition. Last evaluated: 2024-04-23. Review status: no assertion criteria provided. Collection method: clinical testing. Allele origin: germline.
Comment: The FOCAD c.1456G>A variant is predicted to result in the amino acid substitution p.Val486Met. To our knowledge, this variant has not been reported in the literature. This variant is reported in 0.0049% of alleles in individuals of European (Finnish) descent in gnomAD. At this time, the clinical significance of this variant is uncertain due to the absence of conclusive functional and genetic evidence.

NM_001375567.1(FOCAD):c.1456G>A (p.Val486Met)

Gene: FOCAD (focadhesin; plus strand). Cytogenetic location: 9p21.3.
Variant type: single nucleotide variant.
Coding change: c.1456G>A on transcript NM_001375567.1 (MANE Select); coding-DNA position 1456, G replaced by A.
Protein change: p.Val486Met; replaces valine 486 with methionine.
Molecular consequence: missense variant. On other transcripts: intron variant (1).
Genome position (GRCh38, 1-based): chr9:20,819,796, G>A. VCF-style: chr9-20819796-G-A. GRCh37 (hg19) VCF-style: chr9-20819795-G-A.
Other names: c.1351G>A, p.Val451Met (NM_001375570.1); c.1456G>A, p.Val486Met (NM_017794.5); c.1456-528G>A (NM_001375568.1); short protein forms V451M, V486M.
Identifiers: ClinVar variation 3344623 (VCV003344623.1).
Genomic context (GRCh38, chr9:20,819,796, plus strand): 5'-CATTATATATTACTTTTTTGTAACAAGGCATATTTAATATATTTTAAAAATTCATTTTAG[G>A]TGCCAAATCTGATTCCAGTTTTGATGTTCAAATTGGGAAGACCACTGGAACCTATATTAT-3'
Protein context (NP_001362496.1, residues 476-496): TELAQADSSQ[Val486Met]PNLIPVLMFK